The following is an entry in ClinVar:

ClinVar aggregate classification (germline): Pathogenic (1 of 4 stars; one submission).

Submission:

Labcorp Genetics (formerly Invitae), Labcorp
Classification: Pathogenic. Last evaluated: 2024-08-30. Review status: criteria provided, single submitter. Criteria: Invitae Variant Classification Sherloc (09022015). Collection method: clinical testing. Allele origin: germline.
Comment: This sequence change creates a premature translational stop signal (p.Ile135Lysfs*16) in the MOCS2B gene. It is expected to result in an absent or disrupted protein product. Loss-of-function variants in MOCS2B are known to be pathogenic (PMID: 21031595). This variant is not present in population databases (gnomAD no frequency). This variant has not been reported in the literature in individuals affected with MOCS2B-related conditions. For these reasons, this variant has been classified as Pathogenic.

Literature cited by the submitters: PubMed 21031595.

NM_004531.5(MOCS2):c.400_403dup (p.Ile135fs)

Gene: MOCS2 (molybdenum cofactor synthesis 2; minus strand). Cytogenetic location: 5q11.2.
Variant type: Microsatellite.
Coding change: c.400_403dup on transcript NM_004531.5 (MANE Select); coding-DNA positions 400 to 403, 4 bases duplicated (AGCA; older notation c.400_403dupAGCA).
Protein change: p.Ile135fs; shifts the reading frame from isoleucine 135.
Molecular consequence: frameshift variant. On other transcripts: 3 prime UTR variant (1).
Genome position (GRCh38, 1-based): chr5:53,100,509-53,100,512, TGCT duplicated on the plus strand (AGCA on the coding strand, the reverse complement: MOCS2 is on the minus strand); duplicating any 4 consecutive bases within chr5:53,100,509-53,100,517 gives the same sequence; the c. name uses the placement nearest the transcript's 3' end. VCF-style (leftmost placement, unchanged base first): chr5-53100508-A-ATGCT. GRCh37 (hg19) VCF-style: chr5-52396338-A-ATGCT.
Other names: c.*316AGCA[3] (NM_176806.4); c.395_398AAGC[3], p.Ile135Lysfs (NM_183418.1); short protein forms I135fs.
Identifiers: ClinVar variation 2805758 (VCV002805758.3), dbSNP rs2478595358, ClinGen allele CA2739274709.
Genomic context (GRCh38, chr5:53,100,508, plus strand): 5'-ATGGCATAGCTCACAGCTTCAAGAGATGCAGCTCTGTGGGCTGAGGACACAGCAATGATT[A>ATGCT]TGCTTGCTTCTGACACTGGAACCAAGCTTTAACAAGATGAAGAGAAAAAAAAATCACCAT-3'